The following is an entry in ClinVar:

ClinVar aggregate classification (germline): Uncertain significance (1 of 4 stars; one submission).

Submission:

GeneDx
Classification: Uncertain significance. Last evaluated: 2025-07-14. Review status: criteria provided, single submitter. Criteria: GeneDx Variant Classification Process June 2021. Collection method: clinical testing. Allele origin: germline. Affected: yes.
Comment: Not observed at significant frequency in large population cohorts (gnomAD); In silico analysis supports that this missense variant has a deleterious effect on protein structure/function; Has not been previously published as pathogenic or benign to our knowledge; This variant is associated with the following publications: (PMID: 28669404)

NM_015267.4(CUX2):c.1775T>C (p.Leu592Pro)

Gene: CUX2 (cut like homeobox 2; plus strand). Cytogenetic location: 12q24.12.
Variant type: single nucleotide variant.
Coding change: c.1775T>C on transcript NM_015267.4 (MANE Select); coding-DNA position 1775, T replaced by C.
Protein change: p.Leu592Pro; replaces leucine 592 with proline.
Molecular consequence: missense variant.
Genome position (GRCh38, 1-based): chr12:111,310,557, T>C. VCF-style: chr12-111310557-T-C. GRCh37 (hg19) VCF-style: chr12-111748361-T-C.
Other names: c.1589T>C, p.Leu530Pro (NM_001370598.1); short protein forms L530P, L592P.
Identifiers: ClinVar variation 4686140 (VCV004686140.1).
Genomic context (GRCh38, chr12:111,310,557, plus strand): 5'-GGCAGCGGGTGTTTGGGCATTACGTGCTGGGGCTGTCGCAGGGCTCGGTCAGCGAGATCC[T>C]AGCCCGGCCCAAGCCCTGGCGCAAGCTCACGGTGAAGGGCAAGGAGCCCTTCATCAAGAT-3'
Protein context (NP_056082.2, residues 582-602): GLSQGSVSEI[Leu592Pro]ARPKPWRKLT